The following is an entry in ClinVar:

NM_005732.4(RAD50):c.2536A>G (p.Ile846Val)

Gene: RAD50 (RAD50 double strand break repair protein; plus strand). Cytogenetic location: 5q31.1.
Variant type: single nucleotide variant.
Coding change: c.2536A>G on transcript NM_005732.4 (MANE Select); coding-DNA position 2536, A replaced by G.
Protein change: p.Ile846Val; replaces isoleucine 846 with valine.
Molecular consequence: missense variant.
Genome position (GRCh38, 1-based): chr5:132,604,817, A>G. VCF-style: chr5-132604817-A-G. GRCh37 (hg19) VCF-style: chr5-131940509-A-G.
Other names: short protein forms I846V.
Identifiers: ClinVar variation 4149718 (VCV004149718.1).
Genomic context (GRCh38, chr5:132,604,817, plus strand): 5'-ATTTTCTATGCCCTTACATTAATTACTGTGATAATATGTTTTTGTGTAGTTTCTAGTAAG[A>G]TTGAATTGAATCGTAAGCTTATACAGGACCAGCAGGAACAGATTCAACATCTAAAAAGTA-3'
Protein context (NP_005723.2, residues 836-856): QHKLDTVSSK[Ile846Val]ELNRKLIQDQ

ClinVar aggregate classification (germline): Uncertain significance (1 of 4 stars; one submission).

Conditions:
Hereditary cancer-predisposing syndrome. Also called: Hereditary neoplastic syndrome; Neoplastic Syndromes, Hereditary; Tumor predisposition; Hereditary Cancer Syndrome. Identifiers: Orphanet 140162, MedGen C0027672, MeSH D009386, MONDO:0015356.

gnomAD v4.1: 1 of 1,609,978 alleles (0.000062%); no homozygotes.

Submission:

Ambry Genetics
Classification: Uncertain significance for Hereditary cancer-predisposing syndrome. Last evaluated: 2025-06-27. Review status: criteria provided, single submitter. Criteria: Ambry Variant Classification Scheme 2023. Collection method: clinical testing. Allele origin: germline.
Comment: The p.I846V variant (also known as c.2536A>G), located in coding exon 16 of the RAD50 gene, results from an A to G substitution at nucleotide position 2536. The isoleucine at codon 846 is replaced by valine, an amino acid with highly similar properties. This amino acid position is conserved. In addition, this alteration is predicted to be tolerated by in silico analysis. Based on the available evidence, the clinical significance of this variant remains unclear.